The following is an entry in ClinVar:

NM_001035.3(RYR2):c.6441-12T>G

Gene: RYR2 (ryanodine receptor 2; plus strand). Cytogenetic location: 1q43.
Variant type: single nucleotide variant.
Coding change: c.6441-12T>G on transcript NM_001035.3 (MANE Select); 12 bases into the intron before coding-DNA position 6441, T replaced by G.
Molecular consequence: intron variant.
Genome position (GRCh38, 1-based): chr1:237,631,415, T>G. VCF-style: chr1-237631415-T-G. GRCh37 (hg19) VCF-style: chr1-237794715-T-G.
Identifiers: ClinVar variation 3073832 (VCV003073832.2), dbSNP rs2546906345, ClinGen allele CA2825000948.

ClinVar aggregate classification (germline): Uncertain significance. Review status: criteria provided, multiple submitters, no conflicts (2 of 4 stars). 2 submissions from 2 submitters: Uncertain significance (2). Last evaluated 2023-10-06.

Conditions:
Catecholaminergic polymorphic ventricular tachycardia (CVPT). Also called: Catecholamine-induced polymorphic ventricular tachycardia. Identifiers: Orphanet 3286, MedGen C5574922, MONDO:0017990.

Submissions (2):

All of Us Research Program, National Institutes of Health
Classification: Uncertain significance for Catecholaminergic polymorphic ventricular tachycardia. Last evaluated: 2023-10-06. Review status: criteria provided, single submitter. Criteria: ACMG Guidelines, 2015. Collection method: clinical testing. Allele origin: germline. Inheritance: Autosomal dominant inheritance. Observed: 1 variant allele, 1 heterozygote.
Comment: This variant causes a T to G nucleotide substitution at the -12 position of intron 41 of the RYR2 gene. To our knowledge, functional studies have not been reported for this variant. This variant has not been reported in individuals affected with RYR2-related disorders in the literature. This variant has not been identified in the general population by the Genome Aggregation Database (gnomAD). The available evidence is insufficient to determine the role of this variant in disease conclusively. Therefore, this variant is classified as a Variant of Uncertain Significance.

This study involves interpretation of variants in research participants for the purpose of population health screening. Participant phenotype was not available at the time of variant classification. Additional details can be found in publication PMID: 35346344, PMCID: PMC8962531

Blueprint Genetics
Classification: Uncertain significance. Last evaluated: 2017-11-29. Review status: criteria provided, single submitter. Criteria: ACMG Guidelines, 2015. Collection method: clinical testing. Allele origin: germline.